The following is an entry in ClinVar:

NM_000038.6(APC):c.6755C>T (p.Pro2252Leu)

Gene: APC (APC regulator of Wnt signaling pathway; plus strand). Cytogenetic location: 5q22.2.
Variant type: single nucleotide variant.
Coding change: c.6755C>T on transcript NM_000038.6 (MANE Select); coding-DNA position 6755, C replaced by T.
Protein change: p.Pro2252Leu; replaces proline 2252 with leucine.
Molecular consequence: missense variant.
Genome position (GRCh38, 1-based): chr5:112,842,349, C>T. VCF-style: chr5-112842349-C-T. GRCh37 (hg19) VCF-style: chr5-112178046-C-T.
Other names: c.6755C>T, p.Pro2252Leu (NM_001127510.3, NM_001354895.2); c.6701C>T, p.Pro2234Leu (NM_001127511.3); c.6809C>T, p.Pro2270Leu (NM_001354896.2); c.6785C>T, p.Pro2262Leu (NM_001354897.2); c.6680C>T, p.Pro2227Leu (NM_001354898.2); c.6671C>T, p.Pro2224Leu (NM_001354899.2); c.6632C>T, p.Pro2211Leu (NM_001354900.2); c.6578C>T, p.Pro2193Leu (NM_001354901.2); and 5 more; short protein forms P2193L, P2270L, P1969L, P2092L, P2126L, P2151L, P2211L, P2227L.
Identifiers: ClinVar variation 836584 (VCV000836584.12), dbSNP rs574050786, ClinGen allele CA046039.

ClinVar aggregate classification (germline): Conflicting classifications of pathogenicity. Review status: criteria provided, conflicting classifications (1 of 4 stars). 2 submissions from 2 submitters: Uncertain significance (1); Likely benign (1). Last evaluated 2025-11-17.

Conditions:
Hereditary cancer-predisposing syndrome. Also called: Hereditary neoplastic syndrome; Neoplastic Syndromes, Hereditary; Tumor predisposition; Hereditary Cancer Syndrome. Identifiers: Orphanet 140162, MedGen C0027672, MeSH D009386, MONDO:0015356.
Familial adenomatous polyposis 1 (FAP1). Also called: POLYPOSIS, ADENOMATOUS INTESTINAL; FAMILIAL ADENOMATOUS POLYPOSIS 1, ATTENUATED. Identifiers: MedGen C2713442, MONDO:0021056, OMIM 175100. Disease mechanism: loss of function.

Allele frequency attached by ClinVar (database versions not stated): gnomAD exomes below 0.00001 and 0.00001; gnomAD 0.00001; ExAC 0.00002; 1000 Genomes Project 30x 0.00016; 1000 Genomes Project 0.00020.
gnomAD v4.1: 5 of 1,613,932 alleles (0.00031%); highest among the groups gnomAD compares: South Asian, 0.0055%; no homozygotes.

Submissions (2):

Labcorp Genetics (formerly Invitae), Labcorp
Classification: Uncertain significance for Familial adenomatous polyposis 1. Last evaluated: 2025-11-17. Review status: criteria provided, single submitter. Criteria: Invitae Variant Classification Sherloc (09022015). Collection method: clinical testing. Allele origin: germline.
Comment: This sequence change replaces proline, which is neutral and non-polar, with leucine, which is neutral and non-polar, at codon 2252 of the APC protein (p.Pro2252Leu). This variant is present in population databases (rs574050786, gnomAD 0.006%). This variant has not been reported in the literature in individuals affected with APC-related conditions. ClinVar contains an entry for this variant (Variation ID: 836584). Invitae Evidence Modeling of protein sequence and biophysical properties (such as structural, functional, and spatial information, amino acid conservation, physicochemical variation, residue mobility, and thermodynamic stability) indicates that this missense variant is not expected to disrupt APC protein function with a negative predictive value of 95%. In summary, the available evidence is currently insufficient to determine the role of this variant in disease. Therefore, it has been classified as a Variant of Uncertain Significance.

Ambry Genetics
Classification: Likely benign for Hereditary cancer-predisposing syndrome. Last evaluated: 2022-03-04. Review status: criteria provided, single submitter. Criteria: Ambry Variant Classification Scheme 2023. Collection method: clinical testing. Allele origin: germline.